The following is an entry in ClinVar:

ClinVar aggregate classification (germline): Uncertain significance. Review status: criteria provided, multiple submitters, no conflicts (2 of 4 stars). 3 submissions from 3 submitters: Uncertain significance (3). Last evaluated 2024-05-13.

Conditions:
Inborn genetic diseases. Identifiers: MedGen C0950123, MeSH D030342.
Pseudohypoaldosteronism type 2B (PHA2B). Also called: Pseudohypoaldosteronism Type IIB. Identifiers: Orphanet 757, Orphanet 88939, MedGen C1840390, MONDO:0013777, OMIM 614491.

gnomAD v4.1: 27 of 1,614,088 alleles (0.0017%); highest among the groups gnomAD compares: African/African-American, 0.0093%; no homozygotes.

Submissions (3):

Ambry Genetics
Classification: Uncertain significance for Inborn genetic diseases. Last evaluated: 2024-05-13. Review status: criteria provided, single submitter. Criteria: Ambry Variant Classification Scheme 2023. Collection method: clinical testing. Allele origin: germline.

Labcorp Genetics (formerly Invitae), Labcorp
Classification: Uncertain significance. Last evaluated: 2024-04-07. Review status: criteria provided, single submitter. Criteria: Invitae Variant Classification Sherloc (09022015). Collection method: clinical testing. Allele origin: germline.
Comment: This sequence change replaces glycine, which is neutral and non-polar, with arginine, which is basic and polar, at codon 1238 of the WNK4 protein (p.Gly1238Arg). This variant is present in population databases (rs371087263, gnomAD 0.01%). This variant has not been reported in the literature in individuals affected with WNK4-related conditions. Advanced modeling of protein sequence and biophysical properties (such as structural, functional, and spatial information, amino acid conservation, physicochemical variation, residue mobility, and thermodynamic stability) performed at Invitae indicates that this missense variant is not expected to disrupt WNK4 protein function with a negative predictive value of 95%. In summary, the available evidence is currently insufficient to determine the role of this variant in disease. Therefore, it has been classified as a Variant of Uncertain Significance.

Fulgent Genetics
Classification: Uncertain significance for Pseudohypoaldosteronism type 2B. Last evaluated: 2024-02-01. Review status: criteria provided, single submitter. Criteria: ACMG Guidelines, 2015. Collection method: clinical testing. Allele origin: germline.

NM_032387.5(WNK4):c.3712G>A (p.Gly1238Arg)

Gene: WNK4 (WNK lysine deficient protein kinase 4; plus strand). Cytogenetic location: 17q21.2.
Variant type: single nucleotide variant.
Coding change: c.3712G>A on transcript NM_032387.5 (MANE Select); coding-DNA position 3712, G replaced by A.
Protein change: p.Gly1238Arg; replaces glycine 1238 with arginine.
Molecular consequence: missense variant.
Genome position (GRCh38, 1-based): chr17:42,796,561, G>A. VCF-style: chr17-42796561-G-A. GRCh37 (hg19) VCF-style: chr17-40948579-G-A.
Other names: c.2704G>A, p.Gly902Arg (NM_001321299.2); short protein forms G902R, G1238R.
Identifiers: ClinVar variation 3333177 (VCV003333177.4).